The following is an entry in ClinVar:

ClinVar aggregate classification (germline): Benign. Review status: criteria provided, multiple submitters, no conflicts (2 of 4 stars). 4 submissions from 4 submitters: Benign (3). 1 of the submissions does not count toward it. Last evaluated 2026-10-01.

Conditions:
GATB-related disorder. Also called: GATB-related condition.

Allele frequency attached by ClinVar (database versions not stated): 1000 Genomes Project 30x 0.00375; 1000 Genomes Project 0.00399; TOPMed 0.00550; ESP Exome Variant Server 0.00707; ExAC 0.00908; gnomAD exomes 0.01017 and 0.01075; gnomAD 0.01030 and 0.01064.
gnomAD v4.1: 17,130 of 1,613,880 alleles (1.1%); highest among the groups gnomAD compares: Non-Finnish European, 1.1%; 172 homozygotes.

Submissions (4):

CeGaT Center for Human Genetics Tuebingen
Classification: Benign. Last evaluated: 2026-10-01. Review status: criteria provided, single submitter. Criteria: CeGaT Center For Human Genetics Tuebingen Variant Classification Criteria Version 2. Collection method: clinical testing. Allele origin: germline. Affected: yes. Observed: 14 variant alleles.
Comment: GATB: BP4, BP7, BS1, BS2

GeneDx
Classification: Benign. Last evaluated: 2021-05-05. Review status: criteria provided, single submitter. Criteria: GeneDx Variant Classification Process June 2021. Collection method: clinical testing. Allele origin: germline. Affected: yes.

Breakthrough Genomics
Classification: Benign. Review status: criteria provided, single submitter. Criteria: ACMG Guidelines, 2015. Collection method: not provided. Allele origin: germline. Inheritance: Autosomal recessive inheritance. Affected: yes.

PreventionGenetics, part of Exact Sciences
Classification: Benign for GATB-related condition. Last evaluated: 2019-11-07. Review status: no assertion criteria provided. Collection method: clinical testing. Allele origin: germline. Not counted in ClinVar's aggregate classification.
Comment: This variant is classified as benign based on ACMG/AMP sequence variant interpretation guidelines (Richards et al. 2015 PMID: 25741868, with internal and published modifications).

NM_004564.3(GATB):c.696G>A (p.Ala232=)

Gene: GATB (glutamyl-tRNA amidotransferase subunit B; minus strand). Cytogenetic location: 4q31.3.
Variant type: single nucleotide variant.
Coding change: c.696G>A on transcript NM_004564.3 (MANE Select); coding-DNA position 696, G replaced by A.
Protein change: p.Ala232=; no amino-acid change (alanine 232 retained).
Molecular consequence: synonymous variant.
Genome position (GRCh38, 1-based): chr4:151,716,076, C>T on the plus strand (G>A on the coding strand, the complement: GATB is on the minus strand). VCF-style: chr4-151716076-C-T. GRCh37 (hg19) VCF-style: chr4-152637228-C-T.
Other names: c.696G>A, p.Ala232= (NM_001363341.2).
Identifiers: ClinVar variation 1272889 (VCV001272889.28), dbSNP rs35487764, ClinGen allele CA3105855.
Genomic context (GRCh38, chr4:151,716,076, plus strand): 5'-GTTCGCCTGGCTGGTCCCCAGGGCTTGAAGGATCAGCTGCAGCTCCCTGACAGCTGTTGC[C>T]GCCTCTTCTCCACAGGACATGTCGGGCTCCAGGACCACCTCCAGAAGGCCCACTCCTACC-3'
Protein context (NP_004555.1, residues 222-242): LEPDMSCGEE[Ala232=]ATAVRELQLI